The following is an entry in ClinVar:

ClinVar aggregate classification (germline): Likely pathogenic (1 of 4 stars; one submission).

Conditions:
Neurodevelopmental disorder. Identifiers: MedGen C1535926, MeSH D065886, MONDO:0700092.

Submission:

Victorian Clinical Genetics Services, Murdoch Childrens Research Institute
Classification: Likely pathogenic for Neurodevelopmental disorder. Last evaluated: 2024-10-09. Review status: criteria provided, single submitter. Criteria: ACMG Guidelines, 2015. Collection method: clinical testing. Allele origin: germline. Inheritance: Autosomal dominant inheritance. Affected: yes.
Comment: Based on the classification scheme VCGS_Germline_v1.3.4, this variant is classified as Likely Pathogenic. Following criteria are met: 0102 - Loss of function is a known mechanism of disease in this gene and is associated with neurodevelopmental disorder (MONDO:0700092), FEZF2-related. (I) 0107 - This gene is associated with autosomal dominant disease (PMID: 38425142). (I) 0200 - Variant is predicted to result in a missense amino acid change from cysteine to tryptophan. (I) 0251 - This variant is heterozygous. (I) 0301 - Variant is absent from gnomAD (both v2 and v3). (SP) 0501 - Missense variant consistently predicted to be damaging by multiple in silico tools or highly conserved with a major amino acid change. (SP) 0603 - Missense variant in a region that is highly intolerant to missense variation (high constraint region in DECIPHER). (SP) 0705 - No comparable missense variants have previous evidence for pathogenicity. (I) 0807 - This variant has no previous evidence of pathogenicity. (I) 0905 - No published segregation evidence has been identified for this variant. (I) 1007 - No published functional evidence has been identified for this variant. (SP) Legend: (SP) - Supporting pathogenic, (I) - Information, (SB) - Supporting benign

Literature cited by the submitters: PubMed 38425142.

NM_018008.4(FEZF2):c.1266C>G (p.Cys422Trp)

Gene: FEZF2 (FEZ family zinc finger 2; minus strand). Cytogenetic location: 3p14.2.
Variant type: single nucleotide variant.
Coding change: c.1266C>G on transcript NM_018008.4 (MANE Select); coding-DNA position 1266, C replaced by G.
Protein change: p.Cys422Trp; replaces cysteine 422 with tryptophan.
Molecular consequence: missense variant.
Genome position (GRCh38, 1-based): chr3:62,370,197, G>C on the plus strand (C>G on the coding strand, the complement: FEZF2 is on the minus strand). VCF-style: chr3-62370197-G-C. GRCh37 (hg19) VCF-style: chr3-62355872-G-C.
Other names: short protein forms C422W.
Identifiers: ClinVar variation 3377075 (VCV003377075.1).
Genomic context (GRCh38, chr3:62,370,197, plus strand): 5'-GCTGTCGTGGAGTTTGCGCACATGTTTCTTTAAGTCAAAGTTTCTGCAAAACCCTTTGCC[G>C]CAAGTGGCGCACGTGAAAGGCTTCTTGTCGTTGTGGGTGTGCATATGGAAGGTTAGGTTG-3'
Protein context (NP_060478.3, residues 412-432): NDKKPFTCAT[Cys422Trp]GKGFCRNFDL